The following is an entry in ClinVar:

ClinVar aggregate classification (germline): Uncertain significance. Review status: criteria provided, multiple submitters, no conflicts (2 of 4 stars). 2 submissions from 2 submitters: Uncertain significance (2). Last evaluated 2025-10-22.

Conditions:
Familial adenomatous polyposis 1 (FAP1). Also called: FAMILIAL ADENOMATOUS POLYPOSIS 1, ATTENUATED; POLYPOSIS, ADENOMATOUS INTESTINAL. Identifiers: MedGen C2713442, MONDO:0021056, OMIM 175100. Disease mechanism: loss of function.
Hereditary cancer-predisposing syndrome. Also called: Hereditary neoplastic syndrome; Neoplastic Syndromes, Hereditary; Tumor predisposition; Hereditary Cancer Syndrome. Identifiers: Orphanet 140162, MedGen C0027672, MeSH D009386, MONDO:0015356.

gnomAD v4.1: 1 of 1,613,934 alleles (0.000062%); highest among the groups gnomAD compares: Non-Finnish European, 0.000085%; no homozygotes.

Submissions (2):

Ambry Genetics
Classification: Uncertain significance for Hereditary cancer-predisposing syndrome. Last evaluated: 2025-10-22. Review status: criteria provided, single submitter. Criteria: Ambry Variant Classification Scheme 2023. Collection method: clinical testing. Allele origin: germline.
Comment: The p.H2591R variant (also known as c.7772A>G), located in coding exon 15 of the APC gene, results from an A to G substitution at nucleotide position 7772. The histidine at codon 2591 is replaced by arginine, an amino acid with highly similar properties. This amino acid position is not well conserved in available vertebrate species. In addition, in silico predictors for this gene do not accurately predict pathogenicity. Missense variants in APC are not a common cause of disease (Spier I et al. Genet Med. 2024 Feb;26(2):100992). Based on the available evidence, the clinical significance of this variant remains unclear.

Labcorp Genetics (formerly Invitae), Labcorp
Classification: Uncertain significance for Familial adenomatous polyposis 1. Last evaluated: 2024-10-14. Review status: criteria provided, single submitter. Criteria: Invitae Variant Classification Sherloc (09022015). Collection method: clinical testing. Allele origin: germline.
Comment: This sequence change replaces histidine, which is basic and polar, with arginine, which is basic and polar, at codon 2591 of the APC protein (p.His2591Arg). This variant is not present in population databases (gnomAD no frequency). This variant has not been reported in the literature in individuals affected with APC-related conditions. ClinVar contains an entry for this variant (Variation ID: 946681). Invitae Evidence Modeling of protein sequence and biophysical properties (such as structural, functional, and spatial information, amino acid conservation, physicochemical variation, residue mobility, and thermodynamic stability) indicates that this missense variant is not expected to disrupt APC protein function with a negative predictive value of 95%. In summary, the available evidence is currently insufficient to determine the role of this variant in disease. Therefore, it has been classified as a Variant of Uncertain Significance.

NM_000038.6(APC):c.7772A>G (p.His2591Arg)

Gene: APC (APC regulator of Wnt signaling pathway; plus strand). Cytogenetic location: 5q22.2.
Variant type: single nucleotide variant.
Coding change: c.7772A>G on transcript NM_000038.6 (MANE Select); coding-DNA position 7772, A replaced by G.
Protein change: p.His2591Arg; replaces histidine 2591 with arginine.
Molecular consequence: missense variant.
Genome position (GRCh38, 1-based): chr5:112,843,366, A>G. VCF-style: chr5-112843366-A-G. GRCh37 (hg19) VCF-style: chr5-112179063-A-G.
Other names: c.7772A>G, p.His2591Arg (NM_001127510.3, NM_001354895.2); c.7718A>G, p.His2573Arg (NM_001127511.3); c.7826A>G, p.His2609Arg (NM_001354896.2); c.7802A>G, p.His2601Arg (NM_001354897.2); c.7697A>G, p.His2566Arg (NM_001354898.2); c.7688A>G, p.His2563Arg (NM_001354899.2); c.7649A>G, p.His2550Arg (NM_001354900.2); c.7595A>G, p.His2532Arg (NM_001354901.2); and 5 more; short protein forms H2490R, H2465R, H2500R, H2532R, H2550R, H2573R, H2308R, H2431R.
Identifiers: ClinVar variation 946681 (VCV000946681.13), dbSNP rs375393416, ClinGen allele CA16038215.